The following is an entry in ClinVar:

ClinVar aggregate classification (germline): Pathogenic/Likely pathogenic. Review status: criteria provided, multiple submitters, no conflicts (2 of 4 stars). 4 submissions from 4 submitters: Pathogenic (2); Likely pathogenic (2). Last evaluated 2025-08-26.

Conditions:
Bardet-Biedl syndrome 14 (BBS14). Identifiers: Orphanet 110, MedGen C2673874, MONDO:0014442, OMIM 615991.
CEP290-related ciliopathy. Also called: CEP290 ciliopathy. Identifiers: MedGen CN305601, MONDO:0100451.
CEP290-related disorder. Also called: CEP290-related condition; CEP290-related disorders. Identifiers: MedGen CN239314.
Meckel-Gruber syndrome. Also called: DYSENCEPHALIA SPLANCHNOCYSTICA; Dysencephalia splachnocystica; GRUBER SYNDROME. Identifiers: Orphanet 564, MedGen C0265215, MONDO:0018921.
Joubert syndrome. Also called: JOUBERT-BOLTSHAUSER SYNDROME; Familial aplasia of the vermis. Identifiers: Orphanet 475, MedGen C5979921, MONDO:0018772.
Nephronophthisis. Also called: Juvenile Nephronophthisis. Identifiers: Orphanet 655, MedGen C0687120, MONDO:0019005, HP:0000090.

Submissions (4):

Myriad Genetics, Inc.
Classification: Pathogenic for CEP290-related ciliopathy. Last evaluated: 2025-08-26. Review status: criteria provided, single submitter. Criteria: Myriad Autosomal Dominant, Autosomal Recessive and X-Linked Classification Criteria (2023). Collection method: clinical testing. Allele origin: unknown.
Comment: NM_025114.3(CEP290):c.532C>T(Q178*) is expected to be pathogenic in the context of CEP290-related disorders. This variant is predicted to lead to an abnormal or absent protein product due to the creation of a premature termination codon in CEP290, a gene where loss-of-function variants are known to be pathogenic. Please note: this variant was assessed in the context of healthy population screening.

Blueprint Genetics
Classification: Likely pathogenic for CEP290-related disorders. Last evaluated: 2023-09-08. Review status: criteria provided, single submitter. Criteria: ACMG Guidelines, 2015. Collection method: clinical testing. Allele origin: germline. Affected: yes. Observed: 1 variant allele.

Labcorp Genetics (formerly Invitae), Labcorp
Classification: Pathogenic for Joubert syndrome; Meckel-Gruber syndrome; Nephronophthisis. Last evaluated: 2022-04-28. Review status: criteria provided, single submitter. Criteria: Invitae Variant Classification Sherloc (09022015). Collection method: clinical testing. Allele origin: germline.
Comment: This variant is not present in population databases (gnomAD no frequency). This variant has not been reported in the literature in individuals affected with CEP290-related conditions. This sequence change creates a premature translational stop signal (p.Gln178*) in the CEP290 gene. It is expected to result in an absent or disrupted protein product. Loss-of-function variants in CEP290 are known to be pathogenic (PMID: 16909394, 17345604, 20690115). ClinVar contains an entry for this variant (Variation ID: 1074154). For these reasons, this variant has been classified as Pathogenic.

Baylor Genetics
Classification: Likely pathogenic for Bardet-Biedl syndrome 14. Last evaluated: 2021-12-11. Review status: criteria provided, single submitter. Criteria: ACMG Guidelines, 2015. Collection method: clinical testing. Allele origin: unknown.

Literature cited by the submitters: PubMed 16909394 (cited by Labcorp Genetics (formerly Invitae), Labcorp); PubMed 17345604 (cited by Labcorp Genetics (formerly Invitae), Labcorp); PubMed 20690115 (cited by Labcorp Genetics (formerly Invitae), Labcorp).

NM_025114.4(CEP290):c.532C>T (p.Gln178Ter)

Gene: CEP290 (centrosomal protein 290; minus strand). Cytogenetic location: 12q21.32.
Variant type: single nucleotide variant.
Coding change: c.532C>T on transcript NM_025114.4 (MANE Select); coding-DNA position 532, C replaced by T.
Protein change: p.Gln178Ter; replaces glutamine 178 with a stop codon.
Molecular consequence: nonsense.
Genome position (GRCh38, 1-based): chr12:88,130,405, G>A on the plus strand (C>T on the coding strand, the complement: CEP290 is on the minus strand). VCF-style: chr12-88130405-G-A. GRCh37 (hg19) VCF-style: chr12-88524182-G-A.
Other names: short protein forms Q178*.
Identifiers: ClinVar variation 1074154 (VCV001074154.13), dbSNP rs2039993548, ClinGen allele CA385986468.